The following is an entry in ClinVar:

NM_001029883.3(PCARE):c.1766A>G (p.Glu589Gly)

Gene: PCARE (photoreceptor cilium actin regulator; minus strand). Cytogenetic location: 2p23.2.
Variant type: single nucleotide variant.
Coding change: c.1766A>G on transcript NM_001029883.3 (MANE Select); coding-DNA position 1766, A replaced by G.
Protein change: p.Glu589Gly; replaces glutamic acid 589 with glycine.
Molecular consequence: missense variant.
Genome position (GRCh38, 1-based): chr2:29,072,496, T>C on the plus strand (A>G on the coding strand, the complement: PCARE is on the minus strand). VCF-style: chr2-29072496-T-C. GRCh37 (hg19) VCF-style: chr2-29295362-T-C.
Other names: short protein forms E589G.
Identifiers: ClinVar variation 1484194 (VCV001484194.8), dbSNP rs1476264448, ClinGen allele CA346478960.
Genomic context (GRCh38, chr2:29,072,496, plus strand): 5'-AAGGTGGGGTCCTCCACGTGACTCTGGAGACACGACTCTGACTGGGACCTCGTCTGCCTC[T>C]CAGGGGCCCTCCTGCTGCCACTTACCGTGCTAGGTCTTGGGGGGACCACTGTCCTCCCCT-3'
Protein context (NP_001025054.1, residues 579-599): STVSGSRRAP[Glu589Gly]RQTRSQSESC

ClinVar aggregate classification (germline): Uncertain significance (1 of 4 stars; one submission).

Allele frequency attached by ClinVar (database versions not stated): gnomAD 0.00001.
gnomAD v4.1: 2 of 1,614,102 alleles (0.00012%); highest among the groups gnomAD compares: African/African-American, 0.0013%; no homozygotes.

Submission:

Labcorp Genetics (formerly Invitae), Labcorp
Classification: Uncertain significance. Last evaluated: 2021-08-05. Review status: criteria provided, single submitter. Criteria: Invitae Variant Classification Sherloc (09022015). Collection method: clinical testing. Allele origin: germline.
Comment: This sequence change replaces glutamic acid with glycine at codon 589 of the PCARE protein (p.Glu589Gly). The glutamic acid residue is highly conserved and there is a moderate physicochemical difference between glutamic acid and glycine. This variant is not present in population databases (ExAC no frequency). This variant has not been reported in the literature in individuals with PCARE-related conditions. Algorithms developed to predict the effect of missense changes on protein structure and function output the following: SIFT: "Tolerated"; PolyPhen-2: "Benign"; Align-GVGD: "Class C0". The glycine amino acid residue is found in multiple mammalian species, suggesting that this missense change does not adversely affect protein function. These predictions have not been confirmed by published functional studies and their clinical significance is uncertain. In summary, the available evidence is currently insufficient to determine the role of this variant in disease. Therefore, it has been classified as a Variant of Uncertain Significance.